The following is an entry in ClinVar:

ClinVar aggregate classification (germline): Uncertain significance. Review status: criteria provided, multiple submitters, no conflicts (2 of 4 stars). 2 submissions from 2 submitters: Uncertain significance (2). Last evaluated 2025-11-17.

Conditions:
Charcot-Marie-Tooth disease type 2. Also called: Charcot-Marie-Tooth type 2. Identifiers: Orphanet 64746, MedGen C0270914, MONDO:0018993.

Allele frequency attached by ClinVar (database versions not stated): TOPMed below 0.00001; gnomAD exomes 0.00001.
gnomAD v4.1: 8 of 1,614,166 alleles (0.0005%); highest among the groups gnomAD compares: South Asian, 0.0011%; no homozygotes.

Submissions (2):

Labcorp Genetics (formerly Invitae), Labcorp
Classification: Uncertain significance for Charcot-Marie-Tooth disease type 2. Last evaluated: 2025-11-17. Review status: criteria provided, single submitter. Criteria: Invitae Variant Classification Sherloc (09022015). Collection method: clinical testing. Allele origin: germline.
Comment: This sequence change replaces lysine, which is basic and polar, with arginine, which is basic and polar, at codon 641 of the AARS protein (p.Lys641Arg). The frequency data for this variant in the population databases is considered unreliable, as metrics indicate poor data quality at this position in the gnomAD database. This variant has not been reported in the literature in individuals affected with AARS-related conditions. ClinVar contains an entry for this variant (Variation ID: 2142762). Invitae Evidence Modeling of protein sequence and biophysical properties (such as structural, functional, and spatial information, amino acid conservation, physicochemical variation, residue mobility, and thermodynamic stability) indicates that this missense variant is not expected to disrupt AARS protein function with a negative predictive value of 95%. In summary, the available evidence is currently insufficient to determine the role of this variant in disease. Therefore, it has been classified as a Variant of Uncertain Significance.

Blueprint Genetics
Classification: Uncertain significance. Last evaluated: 2023-06-20. Review status: criteria provided, single submitter. Criteria: ACMG Guidelines, 2015. Collection method: clinical testing. Allele origin: germline.

NM_001605.3(AARS1):c.1922A>G (p.Lys641Arg)

Gene: AARS1 (alanyl-tRNA synthetase 1; minus strand). Cytogenetic location: 16q22.1.
Variant type: single nucleotide variant.
Coding change: c.1922A>G on transcript NM_001605.3 (MANE Select); coding-DNA position 1922, A replaced by G.
Protein change: p.Lys641Arg; replaces lysine 641 with arginine.
Molecular consequence: missense variant.
Genome position (GRCh38, 1-based): chr16:70,259,050, T>C on the plus strand (A>G on the coding strand, the complement: AARS1 is on the minus strand). VCF-style: chr16-70259050-T-C. GRCh37 (hg19) VCF-style: chr16-70292953-T-C.
Other names: short protein forms K641R.
Identifiers: ClinVar variation 2142762 (VCV002142762.5), dbSNP rs1295970458, ClinGen allele CA396558039.